The following is an entry in ClinVar:

ClinVar aggregate classification (germline): Likely benign. Review status: criteria provided, multiple submitters, no conflicts (2 of 4 stars). 2 submissions from 2 submitters: Likely benign (2). Last evaluated 2025-05-05.

Allele frequency attached by ClinVar (database versions not stated): TOPMed 0.00001; ExAC 0.00002; gnomAD 0.00003; ESP Exome Variant Server 0.00008.
gnomAD v4.1: 53 of 1,614,070 alleles (0.0033%); highest among the groups gnomAD compares: Non-Finnish European, 0.0043%; no homozygotes.

Submissions (2):

Mayo Clinic Laboratories, Mayo Clinic
Classification: Likely benign. Last evaluated: 2025-05-05. Review status: criteria provided, single submitter. Criteria: ACMG Guidelines, 2015. Collection method: clinical testing. Allele origin: germline. Observed: 1 variant allele.
Comment: BP4, BP7

Labcorp Genetics (formerly Invitae), Labcorp
Classification: Likely benign. Last evaluated: 2025-03-24. Review status: criteria provided, single submitter. Criteria: Invitae Variant Classification Sherloc (09022015). Collection method: clinical testing. Allele origin: germline.

NM_002972.4(SBF1):c.450C>T (p.Gly150=)

Gene: SBF1 (SET binding factor 1; minus strand). Cytogenetic location: 22q13.33.
Variant type: single nucleotide variant.
Coding change: c.450C>T on transcript NM_002972.4 (MANE Select); coding-DNA position 450, C replaced by T.
Protein change: p.Gly150=; no amino-acid change (glycine 150 retained).
Molecular consequence: synonymous variant.
Genome position (GRCh38, 1-based): chr22:50,467,437, G>A on the plus strand (C>T on the coding strand, the complement: SBF1 is on the minus strand). VCF-style: chr22-50467437-G-A. GRCh37 (hg19) VCF-style: chr22-50905866-G-A.
Other names: p.Gly150=; c.453C>T, p.Gly151= (NM_001365819.1).
Identifiers: ClinVar variation 1575117 (VCV001575117.10), dbSNP rs373939235, ClinGen allele CA10318070.